The following is an entry in ClinVar:

NM_022124.6(CDH23):c.7160del (p.Pro2387fs)

Gene: CDH23 (cadherin related 23; plus strand). Cytogenetic location: 10q22.1.
Variant type: Deletion.
Coding change: c.7160del on transcript NM_022124.6 (MANE Select); coding-DNA position 7160, one base deleted (C; older notation c.7160delC).
Protein change: p.Pro2387fs; shifts the reading frame from proline 2387.
Molecular consequence: frameshift variant.
Genome position (GRCh38, 1-based): chr10:71,799,216, C deleted; the last of 3 consecutive C bases (chr10:71,799,214-71,799,216); deleting any one gives the same sequence. VCF-style (leftmost placement, unchanged base first): chr10-71799213-TC-T. GRCh37 (hg19) VCF-style: chr10-73558970-TC-T.
Other names: c.440del, p.Pro147fs (NM_001171933.1, NM_001171934.1); short protein forms P147fs, P2387fs.
Identifiers: ClinVar variation 3601583 (VCV003601583.1).
Genomic context (GRCh38, chr10:71,799,213, plus strand): 5'-ACTGGCTCAACTTTACCGTGAGGGCCTCAGACAACGGGTCCCCGCCCCGGGCAGCTGAGA[TC>T]CCTGTCTACCTGGAAATCGTGGACATCAATGACAACAACCCCATCTTTGACCAGCCCTCC-3'

ClinVar aggregate classification (germline): Likely pathogenic (1 of 4 stars; one submission).

Conditions:
Autosomal recessive nonsyndromic hearing loss 12. Also called: DEAFNESS, AUTOSOMAL RECESSIVE 12. Identifiers: Orphanet 90636, MedGen C1832394, MONDO:0011067, OMIM 601386.

Submission:

Institute of Rare Diseases, West China Hospital, Sichuan University
Classification: Likely pathogenic for Autosomal recessive nonsyndromic hearing loss 12. Last evaluated: 2025-01-09. Review status: criteria provided, single submitter. Criteria: ClinGen HL ACMG Specifications v1. Collection method: research. Allele origin: germline. Affected: yes.
Comment: PVS1;PM2_Supporting